The following is an entry in ClinVar:

ClinVar aggregate classification (germline): Pathogenic. Review status: criteria provided, multiple submitters, no conflicts (2 of 4 stars). 3 submissions from 3 submitters: Pathogenic (3). Last evaluated 2022-07-06.

Conditions:
Early-infantile DEE. Also called: Ohtahara syndrome; Early infantile epileptic encephalopathy; Early infantile epileptic encephalopathy with suppression bursts. Identifiers: Orphanet 1934, MedGen C0393706, MONDO:0800491.

Submissions (3):

Labcorp Genetics (formerly Invitae), Labcorp
Classification: Pathogenic for Early-infantile DEE. Last evaluated: 2022-07-06. Review status: criteria provided, single submitter. Criteria: Invitae Variant Classification Sherloc (09022015). Collection method: clinical testing. Allele origin: germline.
Comment: This sequence change creates a premature translational stop signal (p.Lys49Serfs*84) in the KCNQ2 gene. It is expected to result in an absent or disrupted protein product. Loss-of-function variants in KCNQ2 are known to be pathogenic (PMID: 14534157, 23692823, 27779742). This variant is not present in population databases (gnomAD no frequency). For these reasons, this variant has been classified as Pathogenic. This variant has not been reported in the literature in individuals affected with KCNQ2-related conditions. ClinVar contains an entry for this variant (Variation ID: 501059).

GeneDx
Classification: Pathogenic. Last evaluated: 2018-09-06. Review status: criteria provided, single submitter. Criteria: GeneDx Variant Classification (06012015). Collection method: clinical testing. Allele origin: germline. Affected: yes.
Comment: The c.144delC pathogenic variant in the KCNQ2 gene causes a frameshift starting with codon Lysine 49, changes this amino acid to a Serine residue and creates a premature Stop codon at position 84 of the new reading frame, denoted p.Lys49SerfsX84. This pathogenic variant is predicted to cause loss of normal protein function either through protein truncation or nonsense-mediated mRNA decay. The c.144delC variant is not observed in large population cohorts (Lek et al., 2016).

Eurofins Ntd Llc (ga)
Classification: Pathogenic. Last evaluated: 2017-04-04. Review status: criteria provided, single submitter. Criteria: EGL Classification Definitions 2015. Collection method: clinical testing. Allele origin: germline. Observed: 2 variant alleles, 2 heterozygotes.

Literature cited by the submitters: PubMed 14534157 (cited by Labcorp Genetics (formerly Invitae), Labcorp); PubMed 23692823 (cited by Labcorp Genetics (formerly Invitae), Labcorp); PubMed 27779742 (cited by Labcorp Genetics (formerly Invitae), Labcorp).

NM_172107.4(KCNQ2):c.144del (p.Lys49fs)

Gene: KCNQ2 (potassium voltage-gated channel subfamily Q member 2; minus strand). Cytogenetic location: 20q13.33.
Variant type: Deletion.
Coding change: c.144del on transcript NM_172107.4 (MANE Select); coding-DNA position 144, one base deleted (C; older notation c.144delC).
Protein change: p.Lys49fs; shifts the reading frame from lysine 49.
Molecular consequence: frameshift variant.
Genome position (GRCh38, 1-based): chr20:63,472,320, G deleted on the plus strand (C on the coding strand, the reverse complement: KCNQ2 is on the minus strand); the first of 5 consecutive G bases (chr20:63,472,320-63,472,324); deleting any one gives the same sequence. VCF-style (leftmost placement, unchanged base first): chr20-63472319-TG-T. GRCh37 (hg19) VCF-style: chr20-62103672-TG-T.
Other names: c.144del, p.Lys49fs (NM_004518.6, NM_172106.3, NM_172108.5 and 1 more transcripts); short protein forms K49fs.
Identifiers: ClinVar variation 501059 (VCV000501059.12), dbSNP rs1555881809, ClinGen allele CA658799394.